The following is an entry in ClinVar:

NM_001382430.1(AKT1):c.986C>T (p.Ala329Val)

Gene: AKT1 (AKT serine/threonine kinase 1; minus strand). Cytogenetic location: 14q32.33.
Variant type: single nucleotide variant.
Coding change: c.986C>T on transcript NM_001382430.1 (MANE Select); coding-DNA position 986, C replaced by T.
Protein change: p.Ala329Val; replaces alanine 329 with valine.
Molecular consequence: missense variant.
Genome position (GRCh38, 1-based): chr14:104,773,064, G>A on the plus strand (C>T on the coding strand, the complement: AKT1 is on the minus strand). VCF-style: chr14-104773064-G-A. GRCh37 (hg19) VCF-style: chr14-105239401-G-A.
Other names: c.986C>T, p.Ala329Val (NM_001014431.2, NM_001014432.2, NM_001382431.1 and 3 more transcripts); short protein forms A329V.
Identifiers: ClinVar variation 3730232 (VCV003730232.2).

ClinVar aggregate classification (germline): Uncertain significance (1 of 4 stars; one submission).

Conditions:
Cowden syndrome 6 (CWS6). Identifiers: Orphanet 201, MedGen C3554519, MONDO:0014048, OMIM 615109.

Submission:

Labcorp Genetics (formerly Invitae), Labcorp
Classification: Uncertain significance for Cowden syndrome 6. Last evaluated: 2024-05-18. Review status: criteria provided, single submitter. Criteria: Invitae Variant Classification Sherloc (09022015). Collection method: clinical testing. Allele origin: germline.
Comment: This sequence change replaces alanine, which is neutral and non-polar, with valine, which is neutral and non-polar, at codon 329 of the AKT1 protein (p.Ala329Val). This variant is not present in population databases (gnomAD no frequency). This variant has not been reported in the literature in individuals affected with AKT1-related conditions. An algorithm developed to predict the effect of missense changes on protein structure and function (PolyPhen-2) suggests that this variant is likely to be disruptive. In summary, the available evidence is currently insufficient to determine the role of this variant in disease. Therefore, it has been classified as a Variant of Uncertain Significance.